The following is an entry in ClinVar:

ClinVar aggregate classification (germline): Uncertain significance. Review status: criteria provided, multiple submitters, no conflicts (2 of 4 stars). 8 submissions from 8 submitters: Uncertain significance (8). Last evaluated 2026-01-12.

Conditions:
Hypertrophic cardiomyopathy. Also called: HYPERTROPHIC MYOCARDIOPATHY. Identifiers: Orphanet 217569, MedGen C0007194, MeSH D002312, MONDO:0005045, HP:0001639.
Cardiovascular phenotype. Identifiers: MedGen CN230736.
Hypertrophic cardiomyopathy 1 (CMH1). Also called: Familial hypertrophic cardiomyopathy 1; MYH7-Related Familial Hypertrophic Cardiomyopathy. Identifiers: MedGen C3495498, MONDO:0008647, OMIM 192600.
Myopathy, myosin storage, autosomal recessive (CMYO7B). Also called: CONGENITAL MYOPATHY 7B, MYOSIN STORAGE, AUTOSOMAL RECESSIVE. Identifiers: Orphanet 636970, MedGen C1850709, MONDO:0009708, OMIM 255160.
Myosin storage myopathy (CMYO7A). Also called: MYH7-related late-onset scapuloperoneal muscular dystrophy; Congenital myopathy 7A, myosin storage, autosomal dominant; MYOPATHY, HYALINE BODY, AUTOSOMAL DOMINANT; SCAPULOPERONEAL MUSCULAR DYSTROPHY; SCAPULOPERONEAL SYNDROME, MYOPATHIC TYPE; Scapuloperoneal myopathy, MYH7-related. Identifiers: Orphanet 437572, Orphanet 636965, MedGen C1842160, MONDO:0008409, OMIM 608358.
Congenital myopathy with fiber type disproportion. Also called: Congenital fiber-type disproportion myopathy; Congenital fiber-type disproportion. Identifiers: Orphanet 2020, MedGen C0546264, MONDO:0009711. Inheritance: all.
MYH7-related skeletal myopathy. Also called: Laing distal myopathy; Laing early-onset distal myopathy; Myopathy, distal, 1; MYOPATHY, DISTAL, EARLY-ONSET, AUTOSOMAL DOMINANT; MYOPATHY, LATE DISTAL HEREDITARY. Identifiers: Orphanet 59135, MedGen C4552004, MONDO:0008050, OMIM 160500.
Dilated cardiomyopathy 1S (CMD1S). Identifiers: Orphanet 154, Orphanet 54260, MedGen C1834481, MONDO:0013262, OMIM 613426.
Cardiomyopathy (CMYO). Also called: Cardiomyopathies. Identifiers: Orphanet 167848, MedGen C0878544, MONDO:0004994, HP:0001638. Inheritance: Various modes of inheritance.

Allele frequency attached by ClinVar (database versions not stated): gnomAD exomes 0.00001.
gnomAD v4.1: 17 of 1,614,000 alleles (0.0011%); highest among the groups gnomAD compares: African/African-American, 0.0067%; no homozygotes.

Submissions (8):

Labcorp Genetics (formerly Invitae), Labcorp
Classification: Uncertain significance for Hypertrophic cardiomyopathy. Last evaluated: 2026-01-12. Review status: criteria provided, single submitter. Criteria: Invitae Variant Classification Sherloc (09022015). Collection method: clinical testing. Allele origin: germline.
Comment: This sequence change replaces arginine, which is basic and polar, with cysteine, which is neutral and slightly polar, at codon 1880 of the MYH7 protein (p.Arg1880Cys). This variant is present in population databases (no rsID available, gnomAD 0.01%). This missense change has been observed in individual(s) with clinical features of MYH7-related conditions (internal data). ClinVar contains an entry for this variant (Variation ID: 386841). Invitae Evidence Modeling of protein sequence and biophysical properties (such as structural, functional, and spatial information, amino acid conservation, physicochemical variation, residue mobility, and thermodynamic stability) indicates that this missense variant is expected to disrupt MYH7 protein function with a positive predictive value of 95%. In summary, the available evidence is currently insufficient to determine the role of this variant in disease. Therefore, it has been classified as a Variant of Uncertain Significance.

Color Diagnostics, LLC DBA Color Health
Classification: Uncertain significance for Cardiomyopathy. Last evaluated: 2025-09-23. Review status: criteria provided, single submitter. Criteria: ACMG Guidelines, 2015. Collection method: clinical testing. Allele origin: germline.
Comment: This missense variant replaces arginine with cysteine at codon 1880 of the MYH7 protein. Computational prediction suggests that this variant may have deleterious impact on protein structure and function. To our knowledge, functional studies have not been reported for this variant. This variant has been reported in an individuals with suspected dilated cardiomyopathy (PMID: 33954932). This variant has been identified in 1/31386 chromosomes in the general population by the Genome Aggregation Database (gnomAD). The available evidence is insufficient to determine the role of this variant in disease conclusively. Therefore, this variant is classified as a Variant of Uncertain Significance.

Molecular Diagnostic Laboratory for Inherited Cardiovascular Disease, Montreal Heart Institute
Classification: Uncertain significance for Cardiovascular phenotype. Last evaluated: 2025-04-09. Review status: criteria provided, single submitter. Criteria: ACMG Guidelines, 2015. Collection method: clinical testing. Allele origin: germline. Affected: yes.

Ambry Genetics
Classification: Uncertain significance for Cardiovascular phenotype. Last evaluated: 2024-01-29. Review status: criteria provided, single submitter. Criteria: Ambry Variant Classification Scheme 2023. Collection method: clinical testing. Allele origin: germline.
Comment: The p.R1880C variant (also known as c.5638C>T), located in coding exon 36 of the MYH7 gene, results from a C to T substitution at nucleotide position 5638. The arginine at codon 1880 is replaced by cysteine, an amino acid with highly dissimilar properties. This amino acid position is highly conserved in available vertebrate species. In addition, this alteration is predicted to be deleterious by in silico analysis. Since supporting evidence is limited at this time, the clinical significance of this alteration remains unclear.

Revvity Omics, Revvity
Classification: Uncertain significance. Last evaluated: 2023-02-21. Review status: criteria provided, single submitter. Criteria: ACMG Guidelines, 2015. Collection method: clinical testing. Allele origin: germline.

Fulgent Genetics
Classification: Uncertain significance for MYH7-related skeletal myopathy; Myosin storage myopathy; Hypertrophic cardiomyopathy 1; Myopathy, myosin storage, autosomal recessive; Congenital myopathy 4A, autosomal dominant; Dilated cardiomyopathy 1S. Last evaluated: 2021-12-03. Review status: criteria provided, single submitter. Criteria: ACMG Guidelines, 2015. Collection method: clinical testing. Allele origin: unknown.

AiLife Diagnostics
Classification: Uncertain significance. Last evaluated: 2021-09-09. Review status: criteria provided, single submitter. Criteria: ACMG Guidelines, 2015. Collection method: clinical testing. Allele origin: germline. Affected: yes. Observed: 1 variant allele.

GeneDx
Classification: Uncertain significance. Last evaluated: 2017-01-27. Review status: criteria provided, single submitter. Criteria: GeneDx Variant Classification (06012015). Collection method: clinical testing. Allele origin: germline. Affected: yes.
Comment: The R1880C variant of uncertain significance has been identified in the MYH7 gene. The R1880C variant has not been published as pathogenic or been reported as benign to our knowledge. This variant is not observed in large population cohorts (Lek et al., 2016; 1000 Genomes Consortium et al., 2015; Exome Variant Server). The R1880C variant is a non-conservative amino acid substitution, which is likely to impact secondary protein structure as these residues differ in polarity, charge, size and/or other properties. This substitution occurs at a position that is conserved across species, and in silico analysis predicts this variant is probably damaging to the protein structure/function. However, to our knowledge no studies have been performed to determine the functional effect of the R1880C variant.

Literature cited by the submitters: PubMed 33954932 (cited by Color Diagnostics, LLC DBA Color Health).

NM_000257.4(MYH7):c.5638C>T (p.Arg1880Cys)

Gene: MYH7 (myosin heavy chain 7; minus strand). Cytogenetic location: 14q11.2.
Variant type: single nucleotide variant.
Coding change: c.5638C>T on transcript NM_000257.4 (MANE Select); coding-DNA position 5638, C replaced by T.
Protein change: p.Arg1880Cys; replaces arginine 1880 with cysteine.
Molecular consequence: missense variant.
Genome position (GRCh38, 1-based): chr14:23,414,024, G>A on the plus strand (C>T on the coding strand, the complement: MYH7 is on the minus strand). VCF-style: chr14-23414024-G-A. GRCh37 (hg19) VCF-style: chr14-23883233-G-A.
Other names: c.5638C>T (LRG_384t1); short protein forms R1880C.
Identifiers: ClinVar variation 386841 (VCV000386841.18), dbSNP rs1057522617, ClinGen allele CA16607607.